The following is an entry in ClinVar:

NM_153704.6(TMEM67):c.2661+261A>G

Gene: TMEM67 (transmembrane protein 67; plus strand). Cytogenetic location: 8q22.1.
Variant type: single nucleotide variant.
Coding change: c.2661+261A>G on transcript NM_153704.6 (MANE Select); 261 bases into the intron after coding-DNA position 2661, A replaced by G.
Molecular consequence: intron variant.
Genome position (GRCh38, 1-based): chr8:93,809,422, A>G. VCF-style: chr8-93809422-A-G. GRCh37 (hg19) VCF-style: chr8-94821650-A-G.
Other names: c.2418+261A>G (NM_001142301.1).
Identifiers: ClinVar variation 673871 (VCV000673871.1), dbSNP rs73694969, ClinGen allele CA181346069.

ClinVar aggregate classification (germline): Likely benign (1 of 4 stars; one submission).

Allele frequency attached by ClinVar (database versions not stated): gnomAD 0.01468 and 0.01565; 1000 Genomes Project 30x 0.01624; 1000 Genomes Project 0.01697; TOPMed 0.01715.
gnomAD v4.1: 2,224 of 152,298 alleles (1.5%); highest among the groups gnomAD compares: African/African-American, 4.8%; 60 homozygotes.

Submission:

GeneDx
Classification: Likely benign. Last evaluated: 2018-06-16. Review status: criteria provided, single submitter. Criteria: GeneDx Variant Classification (06012015). Collection method: clinical testing. Allele origin: germline. Affected: yes.
Comment: This variant is considered likely benign or benign based on one or more of the following criteria: it is a conservative change, it occurs at a poorly conserved position in the protein, it is predicted to be benign by multiple in silico algorithms, and/or has population frequency not consistent with disease.